The following is an entry in ClinVar:

NM_000091.5(COL4A3):c.943G>A (p.Gly315Ser)

Genes: COL4A3 (collagen type IV alpha 3 chain; plus strand), MFF-DT (MFF divergent transcript; minus strand). Cytogenetic location: 2q36.3.
Variant type: single nucleotide variant.
Coding change: c.943G>A on transcript NM_000091.5 (MANE Select); coding-DNA position 943, G replaced by A.
Protein change: p.Gly315Ser; replaces glycine 315 with serine.
Molecular consequence: missense variant.
Genome position (GRCh38, 1-based): chr2:227,256,352, G>A. VCF-style: chr2-227256352-G-A. GRCh37 (hg19) VCF-style: chr2-228121068-G-A.
Other names: short protein forms G315S.
Identifiers: ClinVar variation 3586002 (VCV003586002.2).

ClinVar aggregate classification (germline): Likely pathogenic. Review status: criteria provided, multiple submitters, no conflicts (2 of 4 stars). 2 submissions from 2 submitters: Likely pathogenic (2). Last evaluated 2025-09-15.

Conditions:
Autosomal dominant Alport syndrome (ATS3A). Also called: Alport syndrome dominant type; Renal failure and sensorineural hearing loss; ALPORT SYNDROME 3A, AUTOSOMAL DOMINANT. Identifiers: Orphanet 63, Orphanet 88918, MedGen C5882663, MONDO:0007086, OMIM 104200.
Hematuria, benign familial, 2 (BFH2). Identifiers: MedGen C5830421, MONDO:0958186, OMIM 620320.
Alport syndrome 3b, autosomal recessive. Identifiers: MedGen C5882699, MONDO:0957811, OMIM 620536.

Submissions (2):

GeneDx
Classification: Likely pathogenic. Last evaluated: 2025-09-15. Review status: criteria provided, single submitter. Criteria: GeneDx Variant Classification Process June 2021. Collection method: clinical testing. Allele origin: germline. Affected: yes.
Comment: Observed with a second variant on the opposite allele (in trans) in a patient with chronic kidney disease and hearing loss in published literature (PMID: 37362409); Affects a glycine residue in a Gly-X-Y motif in the triple helical region of the COL4A3 gene, where the majority of pathogenic missense variants occur, and is predicted to disrupt normal protein folding and function (HGMD; PMID: 10752524); Not observed at significant frequency in large population cohorts (gnomAD); In silico analysis supports that this missense variant has a deleterious effect on protein structure/function; This variant is associated with the following publications: (PMID: 36013122, 10752524, 37362409)

Fulgent Genetics
Classification: Likely pathogenic for Autosomal dominant Alport syndrome; Hematuria, benign familial, 2; Alport syndrome 3b, autosomal recessive. Last evaluated: 2024-06-09. Review status: criteria provided, single submitter. Criteria: ACMG Guidelines, 2015. Collection method: clinical testing. Allele origin: germline.